The following is an entry in ClinVar:

ClinVar aggregate classification (germline): Uncertain significance. Review status: criteria provided, multiple submitters, no conflicts (2 of 4 stars). 4 submissions from 4 submitters: Uncertain significance (4). Last evaluated 2026-03-27.

Conditions:
AHI1-related disorder. Also called: AHI1-related condition.
Joubert syndrome 3 (JBTS3). Also called: AHI1-related Ciliopathy. Identifiers: Orphanet 220493, MedGen C1837713, MONDO:0012078, OMIM 608629.
Joubert syndrome. Also called: Familial aplasia of the vermis; JOUBERT-BOLTSHAUSER SYNDROME. Identifiers: Orphanet 475, MedGen C5979921, MONDO:0018772.

Allele frequency attached by ClinVar (database versions not stated): ExAC 0.00001; gnomAD exomes 0.00001 and 0.00002; gnomAD 0.00009 and 0.00011; TOPMed 0.00009; 1000 Genomes Project 30x 0.00016; 1000 Genomes Project 0.00020.
gnomAD v4.1: 31 of 1,518,308 alleles (0.002%); highest among the groups gnomAD compares: African/African-American, 0.04%; no homozygotes.

Submissions (4):

PreventionGenetics, part of Exact Sciences
Classification: Uncertain significance for AHI1-related condition. Last evaluated: 2026-03-27. Review status: criteria provided, single submitter. Criteria: ACMG Guidelines, 2015. Collection method: clinical testing. Allele origin: germline.
Comment: The AHI1 c.3588+1G>A variant is predicted to disrupt the GT donor site and interfere with normal splicing. To our knowledge, this variant has not been reported in the literature. This variant is reported in 0.037% of alleles in individuals of African descent in gnomAD. Although we suspect that this variant may be pathogenic, at this time, the clinical significance of this variant is uncertain due to the absence of conclusive functional and genetic evidence.

Labcorp Genetics (formerly Invitae), Labcorp
Classification: Uncertain significance for Joubert syndrome. Last evaluated: 2025-01-07. Review status: criteria provided, single submitter. Criteria: Invitae Variant Classification Sherloc (09022015). Collection method: clinical testing. Allele origin: germline.
Comment: This sequence change affects a donor splice site in intron 27 of the AHI1 gene. While this variant is not anticipated to result in nonsense mediated decay, it likely alters RNA splicing and results in a disrupted protein product. This variant is present in population databases (rs533296867, gnomAD 0.03%). This variant has not been reported in the literature in individuals affected with AHI1-related conditions. ClinVar contains an entry for this variant (Variation ID: 839490). Variants that disrupt the consensus splice site are a relatively common cause of aberrant splicing (PMID: 17576681, 9536098). Algorithms developed to predict the effect of sequence changes on RNA splicing suggest that this variant may disrupt the consensus splice site. In summary, the available evidence is currently insufficient to determine the role of this variant in disease. Therefore, it has been classified as a Variant of Uncertain Significance.

Fulgent Genetics
Classification: Uncertain significance for Joubert syndrome 3. Last evaluated: 2024-03-20. Review status: criteria provided, single submitter. Criteria: ACMG Guidelines, 2015. Collection method: clinical testing. Allele origin: germline.

Blueprint Genetics
Classification: Uncertain significance. Last evaluated: 2023-06-22. Review status: criteria provided, single submitter. Criteria: ACMG Guidelines, 2015. Collection method: clinical testing. Allele origin: germline.

Literature cited by the submitters: PubMed 17576681 (cited by Labcorp Genetics (formerly Invitae), Labcorp); PubMed 9536098 (cited by Labcorp Genetics (formerly Invitae), Labcorp).

NM_001134831.2(AHI1):c.3588+1G>A

Gene: AHI1 (Abelson helper integration site 1; minus strand). Cytogenetic location: 6q23.3.
Variant type: single nucleotide variant.
Coding change: c.3588+1G>A on transcript NM_001134831.2 (MANE Select); the canonical splice donor site of the intron after coding-DNA position 3588, G replaced by A.
Molecular consequence: splice donor variant. On other transcripts: intron variant (1).
Genome position (GRCh38, 1-based): chr6:135,290,422, C>T on the plus strand (G>A on the coding strand, the complement: AHI1 is on the minus strand). VCF-style: chr6-135290422-C-T. GRCh37 (hg19) VCF-style: chr6-135611560-C-T.
Other names: c.3588+1G>A (NM_001134830.2, NM_001350503.2, NM_017651.5); c.3486-4775G>A (NM_001350504.2).
Identifiers: ClinVar variation 839490 (VCV000839490.11), dbSNP rs533296867, ClinGen allele CA4011949.